The following is an entry in ClinVar:

NC_000016.9:g.(?_68853173)_(68853338_?)del

Gene: CDH1 (cadherin 1; plus strand). Cytogenetic location: 16q22.1.
Variant type: Deletion.
Identifiers: ClinVar variation 2425078 (VCV002425078.5).

ClinVar aggregate classification (germline): Pathogenic (1 of 4 stars; one submission).

Conditions:
Hereditary diffuse gastric adenocarcinoma (HDGC). Also called: DIFFUSE GASTRIC AND LOBULAR BREAST CANCER SYNDROME. Identifiers: Orphanet 26106, MedGen C1708349, MONDO:0007648, OMIM 137215.

Submission:

Labcorp Genetics (formerly Invitae), Labcorp
Classification: Pathogenic for Hereditary diffuse gastric adenocarcinoma. Last evaluated: 2022-05-22. Review status: criteria provided, single submitter. Criteria: Invitae Variant Classification Sherloc (09022015). Collection method: clinical testing. Allele origin: germline.
Comment: This variant is a gross deletion of the genomic region encompassing exon(s) 11 of the CDH1 gene. This deletion is out-of-frame, and is expected to create a premature termination codon and result in an absent or disrupted protein product. Loss-of-function variants in CDH1 are known to be pathogenic (PMID: 15235021, 20373070). A similar copy number variant has been observed in individual(s) with diffuse gastric cancer (PMID: 23709761, 23812922). For these reasons, this variant has been classified as Pathogenic.

Literature cited by the submitters: PubMed 15235021; PubMed 20373070; PubMed 23709761; PubMed 23812922.